The following is an entry in ClinVar:

ClinVar aggregate classification (germline): Conflicting classifications of pathogenicity. Review status: criteria provided, conflicting classifications (1 of 4 stars). 5 submissions from 2 submitters: Uncertain significance (4); Benign (1). Last evaluated 2022-12-08.

Conditions:
Age related macular degeneration 4. Identifiers: MedGen C1853147, MONDO:0012540, OMIM 610698.
Basal laminar drusen. Also called: DRUSEN OF BRUCH MEMBRANE; DRUSEN, CUTICULAR; DRUSEN, EARLY ADULT-ONSET, GROUPED. Identifiers: Orphanet 75376, MedGen C0730295, MONDO:0007472, OMIM 126700.
CFH-Related Dense Deposit Disease / Membranoproliferative Glomerulonephritis Type II. Identifiers: MedGen CN071292.
Hemolytic uremic syndrome, atypical, susceptibility to, 1. Also called: AHUS, SUSCEPTIBILITY TO, 1. Identifiers: Orphanet 2134, Orphanet 90038, MedGen C2749604, MONDO:0009335, OMIM 235400. Disease mechanism: Other.

Allele frequency attached by ClinVar (database versions not stated): gnomAD exomes 0.00001 and 0.00002; TOPMed 0.00001; ExAC 0.00002.
gnomAD v4.1: 6 of 1,612,136 alleles (0.00037%); highest among the groups gnomAD compares: Admixed American, 0.0083%; no homozygotes.

Submissions (5):

Labcorp Genetics (formerly Invitae), Labcorp
Classification: Uncertain significance. Last evaluated: 2022-12-08. Review status: criteria provided, single submitter. Criteria: Invitae Variant Classification Sherloc (09022015). Collection method: clinical testing. Allele origin: germline.
Comment: This variant has not been reported in the literature in individuals affected with CFH-related conditions. In summary, the available evidence is currently insufficient to determine the role of this variant in disease. Therefore, it has been classified as a Variant of Uncertain Significance. Algorithms developed to predict the effect of missense changes on protein structure and function output the following: SIFT: "Tolerated"; PolyPhen-2: "Benign"; Align-GVGD: "Class C0". The glutamic acid amino acid residue is found in multiple mammalian species, which suggests that this missense change does not adversely affect protein function. ClinVar contains an entry for this variant (Variation ID: 875858). This variant is present in population databases (rs749875053, gnomAD 0.01%). This sequence change replaces lysine, which is basic and polar, with glutamic acid, which is acidic and polar, at codon 6 of the CFH protein (p.Lys6Glu).

Illumina Laboratory Services, Illumina
Classification: Uncertain significance for Membranoproliferative glomerulonephritis with complement factor h deficiency. Last evaluated: 2018-01-12. Review status: criteria provided, single submitter. Criteria: ICSL Variant Classification Criteria 13 December 2019. Collection method: clinical testing. Allele origin: germline.

Illumina Laboratory Services, Illumina
Classification: Uncertain significance for Basal laminar drusen. Last evaluated: 2018-01-12. Review status: criteria provided, single submitter. Criteria: ICSL Variant Classification Criteria 13 December 2019. Collection method: clinical testing. Allele origin: germline.

Illumina Laboratory Services, Illumina
Classification: Uncertain significance for Age related macular degeneration 4. Last evaluated: 2018-01-12. Review status: criteria provided, single submitter. Criteria: ICSL Variant Classification Criteria 13 December 2019. Collection method: clinical testing. Allele origin: germline.

Illumina Laboratory Services, Illumina
Classification: Benign for Hemolytic uremic syndrome, atypical, susceptibility to, 1. Last evaluated: 2018-01-12. Review status: criteria provided, single submitter. Criteria: ICSL Variant Classification Criteria 13 December 2019. Collection method: clinical testing. Allele origin: germline.
Comment: This variant was observed in the ICSL laboratory as part of a predisposition screen in an ostensibly healthy population. It had not been previously curated by ICSL or reported in the Human Gene Mutation Database (HGMD: prior to June 1st, 2018), and was therefore a candidate for classification through an automated scoring system. Utilizing variant allele frequency, disease prevalence and penetrance estimates, and inheritance mode, an automated score was calculated to assess if this variant is too frequent to cause the disease. Based on the score and internal cut-off values, a variant classified as benign is not then subjected to further curation. The score for this variant resulted in a classification of benign for this disease.

NM_000186.4(CFH):c.16A>G (p.Lys6Glu)

Gene: CFH (complement factor H; plus strand). Cytogenetic location: 1q31.3.
Variant type: single nucleotide variant.
Coding change: c.16A>G on transcript NM_000186.4 (MANE Select); coding-DNA position 16, A replaced by G.
Protein change: p.Lys6Glu; replaces lysine 6 with glutamic acid.
Molecular consequence: missense variant.
Genome position (GRCh38, 1-based): chr1:196,652,133, A>G. VCF-style: chr1-196652133-A-G. GRCh37 (hg19) VCF-style: chr1-196621263-A-G.
Other names: c.16A>G, p.Lys6Glu (NM_001014975.3); short protein forms K6E.
Identifiers: ClinVar variation 875858 (VCV000875858.8), dbSNP rs749875053, ClinGen allele CA1304909.